The following is an entry in ClinVar:

NM_001127898.4(CLCN5):c.1408C>T (p.Leu470Phe)

Gene: CLCN5 (chloride voltage-gated channel 5; plus strand). Cytogenetic location: Xp11.23.
Variant type: single nucleotide variant.
Coding change: c.1408C>T on transcript NM_001127898.4 (MANE Select); coding-DNA position 1408, C replaced by T.
Protein change: p.Leu470Phe; replaces leucine 470 with phenylalanine.
Molecular consequence: missense variant.
Genome position (GRCh38, 1-based): chrX:50,086,721, C>T. VCF-style: chrX-50086721-C-T. GRCh37 (hg19) VCF-style: chrX-49851378-C-T.
Other names: c.1198C>T, p.Leu400Phe (NM_000084.5); c.1408C>T, p.Leu470Phe (NM_001127899.4); c.1258C>T, p.Leu420Phe (NM_001282163.2); short protein forms L400F, L420F, L470F.
Identifiers: ClinVar variation 2007460 (VCV002007460.4), dbSNP rs1285536666, ClinGen allele CA413186058.

ClinVar aggregate classification (germline): Uncertain significance (1 of 4 stars; one submission).

Allele frequency attached by ClinVar (database versions not stated): gnomAD exomes below 0.00001; TOPMed 0.00002.
gnomAD v4.1: 1 of 1,211,410 alleles (0.000083%); highest among the groups gnomAD compares: Non-Finnish European, 0.00011%; no homozygotes.

Submission:

Labcorp Genetics (formerly Invitae), Labcorp
Classification: Uncertain significance. Last evaluated: 2022-06-17. Review status: criteria provided, single submitter. Criteria: Invitae Variant Classification Sherloc (09022015). Collection method: clinical testing. Allele origin: germline.
Comment: In summary, the available evidence is currently insufficient to determine the role of this variant in disease. Therefore, it has been classified as a Variant of Uncertain Significance. Algorithms developed to predict the effect of missense changes on protein structure and function are either unavailable or do not agree on the potential impact of this missense change (SIFT: "Deleterious"; PolyPhen-2: "Probably Damaging"; Align-GVGD: "Class C0"). This variant has not been reported in the literature in individuals affected with CLCN5-related conditions. This variant is not present in population databases (gnomAD no frequency). This sequence change replaces leucine, which is neutral and non-polar, with phenylalanine, which is neutral and non-polar, at codon 400 of the CLCN5 protein (p.Leu400Phe).